The following is an entry in ClinVar:

ClinVar aggregate classification (germline): Benign/Likely benign. Review status: criteria provided, multiple submitters, no conflicts (2 of 4 stars). 10 submissions from 10 submitters: Benign (6); Likely benign (3). 1 of the submissions does not count toward it. Last evaluated 2026-09-01.

Conditions:
COL6A3-related disorder. Also called: COL6A3-related disorders; COL6A3-related condition.
Bethlem myopathy 1A. Also called: Bethlem Muscular Dystrophy; MYOPATHY, BENIGN CONGENITAL, WITH CONTRACTURES; Bethlem myopathy 1. Identifiers: Orphanet 610, MedGen CN029274, MONDO:0024530, OMIM 158810.
Ullrich congenital muscular dystrophy 1A. Also called: Intermediate COL6-RD; Ullrich congenital muscular dystrophy 1. Identifiers: Orphanet 75840, MedGen C0410179, MONDO:0009681, OMIM 254090.
Dystonia 27 (DYT27). Identifiers: Orphanet 464440, MedGen C4225336, MONDO:0014627, OMIM 616411.
Collagen 6-related myopathy. Identifiers: MedGen CN117976, MONDO:0100225.

Allele frequency attached by ClinVar (database versions not stated): 1000 Genomes Project 0.00319; 1000 Genomes Project 30x 0.00344; gnomAD 0.00432 and 0.00441; TOPMed 0.00488; ExAC 0.00580; ESP Exome Variant Server 0.00584; gnomAD exomes 0.00588.
gnomAD v4.1: 9,442 of 1,613,934 alleles (0.59%); highest among the groups gnomAD compares: Middle Eastern, 1.7%; 39 homozygotes.

Submissions (10):

CeGaT Center for Human Genetics Tuebingen
Classification: Likely benign. Last evaluated: 2026-09-01. Review status: criteria provided, single submitter. Criteria: CeGaT Center For Human Genetics Tuebingen Variant Classification Criteria Version 2. Collection method: clinical testing. Allele origin: germline. Affected: yes. Observed: 51 variant alleles.
Comment: COL6A3: BP4, BS2

Labcorp Genetics (formerly Invitae), Labcorp
Classification: Benign for Bethlem myopathy 1A. Last evaluated: 2026-02-01. Review status: criteria provided, single submitter. Criteria: Invitae Variant Classification Sherloc (09022015). Collection method: clinical testing. Allele origin: germline.

Fulgent Genetics
Classification: Likely benign for Bethlem myopathy 1A; Ullrich congenital muscular dystrophy 1A; Dystonia 27. Last evaluated: 2021-10-20. Review status: criteria provided, single submitter. Criteria: ACMG Guidelines, 2015. Collection method: clinical testing. Allele origin: unknown.

Athena Diagnostics
Classification: Benign. Last evaluated: 2021-04-28. Review status: criteria provided, single submitter. Criteria: Athena Diagnostics criteria. Collection method: clinical testing. Allele origin: unknown.

Illumina Laboratory Services, Illumina
Classification: Benign for Collagen VI-related myopathy. Last evaluated: 2018-01-13. Review status: criteria provided, single submitter. Criteria: ICSL Variant Classification Criteria 13 December 2019. Collection method: clinical testing. Allele origin: germline.
Comment: This variant was observed in the ICSL laboratory as part of a predisposition screen in an ostensibly healthy population. It had not been previously curated by ICSL or reported in the Human Gene Mutation Database (HGMD: prior to June 1st, 2018), and was therefore a candidate for classification through an automated scoring system. Utilizing variant allele frequency, disease prevalence and penetrance estimates, and inheritance mode, an automated score was calculated to assess if this variant is too frequent to cause the disease. Based on the score and internal cut-off values, a variant classified as benign is not then subjected to further curation. The score for this variant resulted in a classification of benign for this disease.

GeneDx
Classification: Benign. Last evaluated: 2017-12-22. Review status: criteria provided, single submitter. Criteria: GeneDx Variant Classification (06012015). Collection method: clinical testing. Allele origin: germline. Affected: yes.
Comment: This variant is considered likely benign or benign based on one or more of the following criteria: it is a conservative change, it occurs at a poorly conserved position in the protein, it is predicted to be benign by multiple in silico algorithms, and/or has population frequency not consistent with disease.

Mayo Clinic Laboratories, Mayo Clinic
Classification: Benign. Last evaluated: 2017-12-08. Review status: criteria provided, single submitter. Criteria: ACMG Guidelines, 2015. Collection method: clinical testing. Allele origin: germline. Observed: 10 variant alleles.

Eurofins Ntd Llc (ga)
Classification: Benign. Last evaluated: 2012-11-05. Review status: criteria provided, single submitter. Criteria: EGL Classification Definitions 2015. Collection method: clinical testing. Allele origin: germline. Observed: 3 variant alleles, 3 heterozygotes.

Breakthrough Genomics
Classification: Likely benign. Review status: criteria provided, single submitter. Criteria: ACMG Guidelines, 2015. Collection method: not provided. Allele origin: germline. Inheritance: Autosomal recessive inheritance. Affected: yes.

PreventionGenetics, part of Exact Sciences
Classification: Benign for COL6A3-related condition. Last evaluated: 2020-12-22. Review status: no assertion criteria provided. Collection method: clinical testing. Allele origin: germline. Not counted in ClinVar's aggregate classification.
Comment: This variant is classified as benign based on ACMG/AMP sequence variant interpretation guidelines (Richards et al. 2015 PMID: 25741868, with internal and published modifications).

Literature cited by the submitters: PubMed 15689448 (cited by Athena Diagnostics).

NM_004369.4(COL6A3):c.1182C>T (p.Thr394=)

Gene: COL6A3 (collagen type VI alpha 3 chain; minus strand). Cytogenetic location: 2q37.3.
Variant type: single nucleotide variant.
Coding change: c.1182C>T on transcript NM_004369.4 (MANE Select); coding-DNA position 1182, C replaced by T.
Protein change: p.Thr394=; no amino-acid change (threonine 394 retained).
Molecular consequence: synonymous variant. On other transcripts: intron variant (2).
Genome position (GRCh38, 1-based): chr2:237,387,712, G>A on the plus strand (C>T on the coding strand, the complement: COL6A3 is on the minus strand). VCF-style: chr2-237387712-G-A. GRCh37 (hg19) VCF-style: chr2-238296355-G-A.
Other names: p.Thr394=; c.564C>T, p.Thr188= (NM_057165.5, NM_057167.4); c.92-6213C>T (NM_057166.5, NM_057164.5).
Identifiers: ClinVar variation 94902 (VCV000094902.55), dbSNP rs114750216, ClinGen allele CA147900.
Genomic context (GRCh38, chr2:237,387,712, plus strand): 5'-TTTCTCCTGGAGGTCCCCAAAGCTACGGAATTCCGGGACAGTAAACACCAAGTTGTCATC[G>A]GTAGCTATGTGCTGAAGCTCTGCCCTGGAGGCGGCCTGGGCTCCAAGGCCGAATGAGAAC-3'
Protein context (NP_004360.2, residues 384-404): ASRAELQHIA[Thr394=]DDNLVFTVPE